The following is an entry in ClinVar:

NM_153460.4(IL17RC):c.86A>G (p.Asp29Gly)

Gene: IL17RC (interleukin 17 receptor C; plus strand). Cytogenetic location: 3p25.3.
Variant type: single nucleotide variant.
Coding change: c.86A>G on transcript NM_153460.4 (MANE Select); coding-DNA position 86, A replaced by G.
Protein change: p.Asp29Gly; replaces aspartic acid 29 with glycine.
Molecular consequence: missense variant. On other transcripts: non-coding transcript variant (1).
Genome position (GRCh38, 1-based): chr3:9,917,401, A>G. VCF-style: chr3-9917401-A-G. GRCh37 (hg19) VCF-style: chr3-9959085-A-G.
Other names: c.86A>G, p.Asp29Gly (NM_001203263.2, NM_001203264.2, NM_001203265.2 and 6 more transcripts); short protein forms D29G.
Identifiers: ClinVar variation 3678136 (VCV003678136.2).

ClinVar aggregate classification (germline): Uncertain significance (1 of 4 stars; one submission).

Conditions:
Candidiasis, familial, 9 (CANDF9). Identifiers: Orphanet 1334, MedGen C4225324, MONDO:0014642, OMIM 616445.

gnomAD v4.1: 4 of 1,614,064 alleles (0.00025%); highest among the groups gnomAD compares: East Asian, 0.0089%; no homozygotes.

Submission:

Labcorp Genetics (formerly Invitae), Labcorp
Classification: Uncertain significance for Candidiasis, familial, 9. Last evaluated: 2024-12-10. Review status: criteria provided, single submitter. Criteria: Invitae Variant Classification Sherloc (09022015). Collection method: clinical testing. Allele origin: germline.
Comment: This sequence change replaces aspartic acid, which is acidic and polar, with glycine, which is neutral and non-polar, at codon 29 of the IL17RC protein (p.Asp29Gly). This variant is present in population databases (rs763577300, gnomAD 0.02%). This variant has not been reported in the literature in individuals affected with IL17RC-related conditions. An algorithm developed to predict the effect of missense changes on protein structure and function (PolyPhen-2) suggests that this variant is likely to be disruptive. In summary, the available evidence is currently insufficient to determine the role of this variant in disease. Therefore, it has been classified as a Variant of Uncertain Significance.